The following is an entry in ClinVar:

ClinVar aggregate classification (germline): Uncertain significance (1 of 4 stars; one submission).

Allele frequency attached by ClinVar (database versions not stated): gnomAD 0.00004.

Submission:

Labcorp Genetics (formerly Invitae), Labcorp
Classification: Uncertain significance. Last evaluated: 2022-10-31. Review status: criteria provided, single submitter. Criteria: Invitae Variant Classification Sherloc (09022015). Collection method: clinical testing. Allele origin: germline.
Comment: This sequence change replaces arginine, which is basic and polar, with cysteine, which is neutral and slightly polar, at codon 802 of the DOCK6 protein (p.Arg802Cys). This variant is present in population databases (rs374740106, gnomAD 0.02%). This variant has not been reported in the literature in individuals affected with DOCK6-related conditions. ClinVar contains an entry for this variant (Variation ID: 1416618). Advanced modeling of protein sequence and biophysical properties (such as structural, functional, and spatial information, amino acid conservation, physicochemical variation, residue mobility, and thermodynamic stability) performed at Invitae indicates that this missense variant is expected to disrupt DOCK6 protein function. In summary, the available evidence is currently insufficient to determine the role of this variant in disease. Therefore, it has been classified as a Variant of Uncertain Significance.

NM_020812.4(DOCK6):c.2404C>T (p.Arg802Cys)

Gene: DOCK6 (dedicator of cytokinesis 6; minus strand). Cytogenetic location: 19p13.2.
Variant type: single nucleotide variant.
Coding change: c.2404C>T on transcript NM_020812.4 (MANE Select); coding-DNA position 2404, C replaced by T.
Protein change: p.Arg802Cys; replaces arginine 802 with cysteine.
Molecular consequence: missense variant.
Genome position (GRCh38, 1-based): chr19:11,235,748, G>A on the plus strand (C>T on the coding strand, the complement: DOCK6 is on the minus strand). VCF-style: chr19-11235748-G-A. GRCh37 (hg19) VCF-style: chr19-11346424-G-A.
Other names: c.2404C>T, p.Arg802Cys (NM_001367830.1); short protein forms R802C.
Identifiers: ClinVar variation 1416618 (VCV001416618.3), dbSNP rs374740106, ClinGen allele CA9207634.